The following is an entry in ClinVar:

NR_003051.4(RMRP):n.112G>A

Gene: RMRP (RNA component of mitochondrial RNA processing endoribonuclease; minus strand). Cytogenetic location: 9p13.3.
Variant type: single nucleotide variant.
Genome position: GRCh38 VCF-style: chr9-35657908-C-T. GRCh37 (hg19) VCF-style: chr9-35657905-C-T.
Identifiers: ClinVar variation 533759 (VCV000533759.6), dbSNP rs1031995271, ClinGen allele CA192745630.

ClinVar aggregate classification (germline): Uncertain significance. Review status: criteria provided, single submitter (1 of 4 stars). 2 submissions from 2 submitters: Uncertain significance (1). 1 of the submissions does not count toward it. Last evaluated 2022-06-20.

Conditions:
Metaphyseal chondrodysplasia, McKusick type (CHH). Also called: Cartilage-Hair Hypoplasia (CHH); Cartilage-hair hypoplasia. Identifiers: Orphanet 175, MedGen C0220748, MONDO:0009595, OMIM 250250.
Anauxetic dysplasia. Identifiers: Orphanet 93347, MedGen C1846796, MONDO:0011773.

Allele frequency attached by ClinVar (database versions not stated): TOPMed 0.00004; gnomAD 0.00012; gnomAD exomes 0.00014 and 0.00015.
gnomAD v4.1: 98 of 700,454 alleles (0.014%); highest among the groups gnomAD compares: East Asian, 0.043%; no homozygotes.

Submissions (2):

Labcorp Genetics (formerly Invitae), Labcorp
Classification: Uncertain significance for Anauxetic dysplasia. Last evaluated: 2022-06-20. Review status: criteria provided, single submitter. Criteria: Invitae Variant Classification Sherloc (09022015). Collection method: clinical testing. Allele origin: germline.
Comment: This variant occurs in the RMRP gene, which encodes an RNA molecule that does not result in a protein product. This variant is present in population databases (no rsID available, gnomAD 0.1%). This variant has not been reported in the literature in individuals affected with RMRP-related conditions. ClinVar contains an entry for this variant (Variation ID: 533759). Experimental studies and prediction algorithms are not available or were not evaluated, and the functional significance of this variant is currently unknown. In summary, the available evidence is currently insufficient to determine the role of this variant in disease. Therefore, it has been classified as a Variant of Uncertain Significance.

Natera, Inc.
Classification: Uncertain significance for Cartilage-hair hypoplasia. Last evaluated: 2019-11-11. Review status: no assertion criteria provided. Collection method: clinical testing. Allele origin: germline. Not counted in ClinVar's aggregate classification.